The following is an entry in ClinVar:

ClinVar aggregate classification (germline): Uncertain significance. Review status: criteria provided, multiple submitters, no conflicts (2 of 4 stars). 2 submissions from 2 submitters: Uncertain significance (2). Last evaluated 2025-02-25.

Conditions:
Inborn genetic diseases. Identifiers: MedGen C0950123, MeSH D030342.

Allele frequency attached by ClinVar (database versions not stated): ExAC 0.00001; gnomAD 0.00001; gnomAD exomes 0.00001; TOPMed 0.00001.
gnomAD v4.1: 4 of 1,606,532 alleles (0.00025%); highest among the groups gnomAD compares: Admixed American, 0.005%; no homozygotes.

Submissions (2):

Ambry Genetics
Classification: Uncertain significance for Inborn genetic diseases. Last evaluated: 2025-02-25. Review status: criteria provided, single submitter. Criteria: Ambry Variant Classification Scheme 2023. Collection method: clinical testing. Allele origin: germline.

Labcorp Genetics (formerly Invitae), Labcorp
Classification: Uncertain significance. Last evaluated: 2022-06-20. Review status: criteria provided, single submitter. Criteria: Invitae Variant Classification Sherloc (09022015). Collection method: clinical testing. Allele origin: germline.
Comment: Algorithms developed to predict the effect of sequence changes on RNA splicing suggest that this variant may create or strengthen a splice site. Algorithms developed to predict the effect of missense changes on protein structure and function output the following: SIFT: "Tolerated"; PolyPhen-2: "Benign"; Align-GVGD: "Class C0". The alanine amino acid residue is found in multiple mammalian species, which suggests that this missense change does not adversely affect protein function. This variant has not been reported in the literature in individuals affected with VPS13A-related conditions. This variant is present in population databases (rs751155999, gnomAD 0.006%). This sequence change replaces threonine, which is neutral and polar, with alanine, which is neutral and non-polar, at codon 1108 of the VPS13A protein (p.Thr1108Ala). In summary, the available evidence is currently insufficient to determine the role of this variant in disease. Therefore, it has been classified as a Variant of Uncertain Significance.

NM_033305.3(VPS13A):c.3322A>G (p.Thr1108Ala)

Gene: VPS13A (vacuolar protein sorting 13 homolog A; plus strand). Cytogenetic location: 9q21.2.
Variant type: single nucleotide variant.
Coding change: c.3322A>G on transcript NM_033305.3 (MANE Select); coding-DNA position 3322, A replaced by G.
Protein change: p.Thr1108Ala; replaces threonine 1108 with alanine.
Molecular consequence: missense variant.
Genome position (GRCh38, 1-based): chr9:77,283,633, A>G. VCF-style: chr9-77283633-A-G. GRCh37 (hg19) VCF-style: chr9-79898549-A-G.
Other names: c.3205A>G, p.Thr1069Ala (NM_001018037.2); c.3322A>G, p.Thr1108Ala (NM_001018038.3, NM_015186.4); c.3322A>G (NM_033305.2); short protein forms T1069A, T1108A.
Identifiers: ClinVar variation 1477411 (VCV001477411.7), dbSNP rs751155999, ClinGen allele CA5092219.
Genomic context (GRCh38, chr9:77,283,633, plus strand): 5'-CCTTCAGAAACTGAAATAAACGCAAAGCTAAGGAATATAATTGTTTTAGATTCTGATATA[A>G]CAGCTATATACAAAAAGGTAAGAATTCTTTTAATTAAATAATAGTACATCATTAAATAGG-3'
Protein context (NP_150648.2, residues 1098-1118): RNIIVLDSDI[Thr1108Ala]AIYKKAVYIT